The following is an entry in ClinVar:

ClinVar aggregate classification (germline): Pathogenic (1 of 4 stars; one submission).

Submission:

Labcorp Genetics (formerly Invitae), Labcorp
Classification: Pathogenic. Last evaluated: 2023-03-26. Review status: criteria provided, single submitter. Criteria: Invitae Variant Classification Sherloc (09022015). Collection method: clinical testing. Allele origin: germline.
Comment: For these reasons, this variant has been classified as Pathogenic. Isolated whole-gene deletions of TBX4 have not been reported in the literature. However, larger copy number events that include this gene have been reported (PMID: 20206336, 23592887, 30828993). A gross deletion of the genomic region encompassing the full coding sequence of the TBX4 gene has been identified. Loss-of-function variants in TBX4 are known to be pathogenic (PMID: 15106123, 31151956, 31761294, 31965066, 32079640). The boundaries of this event are unknown as they extend beyond the assayed region for this gene and therefore may encompass additional genes.

Literature cited by the submitters: PubMed 20206336; PubMed 23592887; PubMed 30828993; PubMed 15106123; PubMed 31151956; PubMed 31761294; PubMed 31965066; PubMed 32079640.

NC_000017.10:g.(?_59533852)_(59560877_?)del

Gene: TBX4 (T-box transcription factor 4; plus strand). Cytogenetic location: 17q23.2.
Variant type: Deletion.
Identifiers: ClinVar variation 1456638 (VCV001456638.6).